The following is an entry in ClinVar:

NM_003235.5(TG):c.4528+1G>A

Gene: TG (thyroglobulin; plus strand). Cytogenetic location: 8q24.22.
Variant type: single nucleotide variant.
Coding change: c.4528+1G>A on transcript NM_003235.5 (MANE Select); the canonical splice donor site of the intron after coding-DNA position 4528, G replaced by A.
Molecular consequence: splice donor variant.
Genome position (GRCh38, 1-based): chr8:132,919,526, G>A. VCF-style: chr8-132919526-G-A. GRCh37 (hg19) VCF-style: chr8-133931771-G-A.
Identifiers: ClinVar variation 2776491 (VCV002776491.5), dbSNP rs2490314665, ClinGen allele CA372247793.

ClinVar aggregate classification (germline): Pathogenic/Likely pathogenic. Review status: criteria provided, multiple submitters, no conflicts (2 of 4 stars). 2 submissions from 2 submitters: Pathogenic (1); Likely pathogenic (1). Last evaluated 2024-03-01.

Conditions:
TG-related disorder. Also called: TG-related condition; TG-related disorders.

Submissions (2):

Women's Health and Genetics/Laboratory Corporation of America, LabCorp
Classification: Pathogenic for TG-Related Disorders. Last evaluated: 2024-03-01. Review status: criteria provided, single submitter. Criteria: LabCorp Variant Classification Summary - May 2015. Collection method: clinical testing. Allele origin: germline.
Comment: Variant summary: TG c.4528+1G>A is located in a canonical splice-site and is predicted to affect mRNA splicing resulting in a significantly altered protein due to either exon skipping, shortening, or inclusion of intronic material. Several computational tools predict a significant impact on normal splicing: Four predict the variant abolishes a 5' splicing donor site. However, these predictions have yet to be confirmed by functional studies. The variant was absent in 250702 control chromosomes. c.4528+1G>A has been reported in the literature in individuals affected with TG-Related Disorders (Kara_2023). These data indicate that the variant is likely to be associated with disease. To our knowledge, no experimental evidence demonstrating an impact on protein function has been reported. The following publication have been ascertained in the context of this evaluation (PMID: 36913313). ClinVar contains an entry for this variant (Variation ID: 2776491). Based on the evidence outlined above, the variant was classified as pathogenic.

Labcorp Genetics (formerly Invitae), Labcorp
Classification: Likely pathogenic. Last evaluated: 2023-09-21. Review status: criteria provided, single submitter. Criteria: Invitae Variant Classification Sherloc (09022015). Collection method: clinical testing. Allele origin: germline.
Comment: This sequence change affects a donor splice site in intron 21 of the TG gene. It is expected to disrupt RNA splicing. Variants that disrupt the donor or acceptor splice site typically lead to a loss of protein function (PMID: 16199547), and loss-of-function variants in TG are known to be pathogenic (PMID: 19837936, 23164529). In summary, the currently available evidence indicates that the variant is pathogenic, but additional data are needed to prove that conclusively. Therefore, this variant has been classified as Likely Pathogenic. Algorithms developed to predict the effect of sequence changes on RNA splicing suggest that this variant may disrupt the consensus splice site. This variant has not been reported in the literature in individuals affected with TG-related conditions. This variant is not present in population databases (gnomAD no frequency).

Literature cited by the submitters: PubMed 36913313 (cited by Women's Health and Genetics/Laboratory Corporation of America, LabCorp); PubMed 16199547 (cited by Labcorp Genetics (formerly Invitae), Labcorp); PubMed 19837936 (cited by Labcorp Genetics (formerly Invitae), Labcorp); PubMed 23164529 (cited by Labcorp Genetics (formerly Invitae), Labcorp).